The following is an entry in ClinVar:

NM_000092.5(COL4A4):c.666_667insA (p.Gly223fs)

Gene: COL4A4 (collagen type IV alpha 4 chain; minus strand). Cytogenetic location: 2q36.3.
Variant type: Insertion.
Coding change: c.666_667insA on transcript NM_000092.5 (MANE Select); coding-DNA positions 666 to 667, A inserted.
Protein change: p.Gly223fs; shifts the reading frame from glycine 223.
Molecular consequence: frameshift variant.
Genome position: GRCh38 VCF-style: chr2-227108859-C-CT. GRCh37 (hg19) VCF-style: chr2-227973575-C-CT.
Other names: short protein forms G223fs.
Identifiers: ClinVar variation 2180806 (VCV002180806.5), dbSNP rs2475788149, ClinGen allele CA2580065857.
Genomic context (GRCh38, chr2:227,108,859, plus strand): 5'-GCTCTATTGATGTATCTTGCTCATGACTGCCTACCTTCAAACCTGGACGCCCTGGTTGGC[C>CT]CGGAGGTCCCTAAATCAAGGGAGAAAAAAACACAAATCAATCATCAGACATAGAAATCAG-3'

ClinVar aggregate classification (germline): Pathogenic/Likely pathogenic. Review status: criteria provided, multiple submitters, no conflicts (2 of 4 stars). 2 submissions from 2 submitters: Pathogenic (1); Likely pathogenic (1). Last evaluated 2024-12-03.

Conditions:
Autosomal recessive Alport syndrome (ATS2). Also called: Alport syndrome type 2; COL4A4 Alport Syndrome and Thin Basement Membrane Nephropathy; ALPORT SYNDROME 2, AUTOSOMAL RECESSIVE; COL4A3-Related Nephropathy. Identifiers: Orphanet 63, Orphanet 88919, MedGen C4746745, MONDO:0008762, OMIM 203780.
Hematuria, benign familial, 1 (BFH1). Also called: THIN MEMBRANE NEPHROPATHY. Identifiers: MedGen CN376803, MONDO:0007709, OMIM 141200.

Allele frequency attached by ClinVar (database versions not stated): gnomAD exomes 0.00001.

Submissions (2):

Labcorp Genetics (formerly Invitae), Labcorp
Classification: Pathogenic. Last evaluated: 2024-12-03. Review status: criteria provided, single submitter. Criteria: Invitae Variant Classification Sherloc (09022015). Collection method: clinical testing. Allele origin: germline.
Comment: This sequence change creates a premature translational stop signal (p.Gly223Argfs*25) in the COL4A4 gene. It is expected to result in an absent or disrupted protein product. Loss-of-function variants in COL4A4 are known to be pathogenic (PMID: 21196518, 24854265, 25307543). This variant is not present in population databases (gnomAD no frequency). This variant has not been reported in the literature in individuals affected with COL4A4-related conditions. ClinVar contains an entry for this variant (Variation ID: 2180806). For these reasons, this variant has been classified as Pathogenic.

Fulgent Genetics
Classification: Likely pathogenic for Hematuria, benign familial, 1; Autosomal recessive Alport syndrome. Last evaluated: 2024-05-23. Review status: criteria provided, single submitter. Criteria: ACMG Guidelines, 2015. Collection method: clinical testing. Allele origin: germline.

Literature cited by the submitters: PubMed 21196518 (cited by Labcorp Genetics (formerly Invitae), Labcorp); PubMed 24854265 (cited by Labcorp Genetics (formerly Invitae), Labcorp); PubMed 25307543 (cited by Labcorp Genetics (formerly Invitae), Labcorp).